The following is an entry in ClinVar:

ClinVar aggregate classification (germline): Uncertain significance. Review status: criteria provided, multiple submitters, no conflicts (2 of 4 stars). 2 submissions from 2 submitters: Uncertain significance (2). Last evaluated 2021-01-13.

Conditions:
Inborn genetic diseases. Identifiers: MedGen C0950123, MeSH D030342.

Submissions (2):

Ambry Genetics
Classification: Uncertain significance for Inborn genetic diseases. Last evaluated: 2021-01-13. Review status: criteria provided, single submitter. Criteria: Ambry Variant Classification Scheme 2023. Collection method: clinical testing. Allele origin: germline.
Comment: The c.557_559delGAG variant (also known as p.G186del) is located in coding exon 4 of the OPTN gene. This variant results from an in-frame GAG deletion at nucleotide positions 557 to 559. This results in the in-frame deletion of a glycine at codon 186. This amino acid position is well conserved in available vertebrate species. In addition, the in silico prediction for this alteration is inconclusive (Choi Y et al. PLoS ONE. 2012; 7(10):e46688). Since supporting evidence is limited at this time, the clinical significance of this alteration remains unclear.

GeneDx
Classification: Uncertain significance. Last evaluated: 2019-11-14. Review status: criteria provided, single submitter. Criteria: GeneDx Variant Classification Process June 2021. Collection method: clinical testing. Allele origin: germline. Affected: yes.
Comment: Not observed in large population cohorts (Lek et al., 2016); In-frame deletion of 1 amino acid in a non-repeat region; In silico analysis, which includes protein predictors and evolutionary conservation, supports a deleterious effect; Has not been previously published as pathogenic or benign to our knowledge

NM_001008212.2(OPTN):c.557_559del (p.Gly186del)

Gene: OPTN (optineurin; plus strand). Cytogenetic location: 10p13.
Variant type: Deletion.
Coding change: c.557_559del on transcript NM_001008212.2 (MANE Select); coding-DNA positions 557 to 559, 3 bases deleted (GAG; older notation c.557_559delGAG).
Protein change: p.Gly186del; deletes glycine 186.
Molecular consequence: inframe deletion.
Genome position (GRCh38, 1-based): chr10:13,116,271-13,116,273, GAG deleted; deleting any 3 consecutive bases within chr10:13,116,269-13,116,273 gives the same sequence; the c. name uses the placement nearest the transcript's 3' end. VCF-style (leftmost placement, unchanged base first): chr10-13116268-AAGG-A. GRCh37 (hg19) VCF-style: chr10-13158268-AAGG-A.
Other names: c.557_559del, p.Gly186del (NM_001008211.1, NM_001008213.1, NM_021980.4); c.557_559delGAG (NM_021980.4); short protein forms G186del.
Identifiers: ClinVar variation 1310249 (VCV001310249.4), dbSNP rs2131500924, ClinGen allele CA468236727.
Genomic context (GRCh38, chr10:13,116,268, plus strand): 5'-ACAAAGAATTTGTCTTGTAGACATATTGTGTTAAATCCCTTGCATTTCTGTTTTCACAGG[AAGG>A]AGAAGCAGAAGGGTCAGTAAAAGAAATCAAGCATAGTCCTGGGCCCACGAGAACAGTCTC-3'